The following is an entry in ClinVar:

NM_203446.3(SYNJ1):c.*709C>T

Gene: SYNJ1 (synaptojanin 1; minus strand). Cytogenetic location: 21q22.11.
Variant type: single nucleotide variant.
Coding change: c.*709C>T on transcript NM_203446.3 (MANE Select); 709 bases downstream of the stop codon, C replaced by T.
Molecular consequence: 3 prime UTR variant. On other transcripts: missense variant (2).
Genome position (GRCh38, 1-based): chr21:32,631,096, G>A on the plus strand (C>T on the coding strand, the complement: SYNJ1 is on the minus strand). VCF-style: chr21-32631096-G-A. GRCh37 (hg19) VCF-style: chr21-34003406-G-A.
Other names: c.*709C>T (NM_001160302.2); c.4480C>T, p.Pro1494Ser (NM_001160306.2); c.4738C>T, p.Pro1580Ser (NM_003895.4); short protein forms P1494S, P1580S.
Identifiers: ClinVar variation 951974 (VCV000951974.9), dbSNP rs912535820, ClinGen allele CA319449611.

ClinVar aggregate classification (germline): Uncertain significance. Review status: criteria provided, multiple submitters, no conflicts (2 of 4 stars). 2 submissions from 2 submitters: Uncertain significance (2). Last evaluated 2023-10-03.

Conditions:
Inborn genetic diseases. Identifiers: MedGen C0950123, MeSH D030342.
Early-onset Parkinson disease 20. Also called: PARKINSON DISEASE 20, AUTOSOMAL RECESSIVE EARLY-ONSET. Identifiers: Orphanet 391411, MedGen C3809824, MONDO:0014233, OMIM 615530.
Developmental and epileptic encephalopathy, 53. Also called: Epileptic encephalopathy, early infantile, 53. Identifiers: MedGen C4479313, MONDO:0033362, OMIM 617389.

Allele frequency attached by ClinVar (database versions not stated): gnomAD exomes below 0.00001 and 0.00001; gnomAD 0.00005 and 0.00006; TOPMed 0.00007.
gnomAD v4.1: 13 of 1,614,106 alleles (0.00081%); highest among the groups gnomAD compares: African/African-American, 0.016%; no homozygotes.

Submissions (2):

Labcorp Genetics (formerly Invitae), Labcorp
Classification: Uncertain significance for Developmental and epileptic encephalopathy, 53; Early-onset Parkinson disease 20. Last evaluated: 2023-10-03. Review status: criteria provided, single submitter. Criteria: Invitae Variant Classification Sherloc (09022015). Collection method: clinical testing. Allele origin: germline.
Comment: This sequence change replaces proline, which is neutral and non-polar, with serine, which is neutral and polar, at codon 1580 of the SYNJ1 protein (p.Pro1580Ser). This variant is present in population databases (no rsID available, gnomAD 0.02%). This variant has not been reported in the literature in individuals affected with SYNJ1-related conditions. ClinVar contains an entry for this variant (Variation ID: 951974). An algorithm developed to predict the effect of missense changes on protein structure and function (PolyPhen-2) suggests that this variant is likely to be disruptive. In summary, the available evidence is currently insufficient to determine the role of this variant in disease. Therefore, it has been classified as a Variant of Uncertain Significance.

Ambry Genetics
Classification: Uncertain significance for Inborn genetic diseases. Last evaluated: 2020-12-08. Review status: criteria provided, single submitter. Criteria: Ambry Variant Classification Scheme 2023. Collection method: clinical testing. Allele origin: germline.
Comment: The c.4738C>T (p.P1580S) alteration is located in exon 32 (coding exon 32) of the SYNJ1 gene. This alteration results from a C to T substitution at nucleotide position 4738, causing the proline (P) at amino acid position 1580 to be replaced by a serine (S). The p.P1580S alteration is predicted to be tolerated by in silico analysis. Based on insufficient or conflicting evidence, the clinical significance of this alteration remains unclear.